The following is an entry in ClinVar:

NM_001267550.2(TTN):c.60007C>G (p.Arg20003Gly)

Genes: TTN (titin; minus strand), TTN-AS1 (TTN antisense RNA 1; plus strand), LOC126806424 (CDK7 strongly-dependent group 2 enhancer GRCh37_chr2:179456337-179457536; plus strand). Cytogenetic location: 2q31.2.
Variant type: single nucleotide variant.
Coding change: c.60007C>G on transcript NM_001267550.2 (MANE Select); coding-DNA position 60007, C replaced by G.
Protein change: p.Arg20003Gly; replaces arginine 20003 with glycine.
Molecular consequence: missense variant.
Genome position (GRCh38, 1-based): chr2:178,591,812, G>C on the plus strand (C>G on the coding strand, the complement: TTN is on the minus strand). VCF-style: chr2-178591812-G-C. GRCh37 (hg19) VCF-style: chr2-179456539-G-C.
Other names: c.55084C>G, p.Arg18362Gly (NM_001256850.1); c.60007C>G (NM_001267550.1); c.32812C>G, p.Arg10938Gly (NM_003319.4); c.52303C>G, p.Arg17435Gly (NM_133378.4); c.33187C>G, p.Arg11063Gly (NM_133432.3); c.33388C>G, p.Arg11130Gly (NM_133437.4); short protein forms R10938G, R11063G, R11130G, R17435G, R18362G, R20003G.
Identifiers: ClinVar variation 1027577 (VCV001027577.6), dbSNP rs1039014549, ClinGen allele CA60970180.

ClinVar aggregate classification (germline): Conflicting classifications of pathogenicity. Review status: criteria provided, conflicting classifications (1 of 4 stars). 4 submissions from 4 submitters: Uncertain significance (3); Benign (1). Last evaluated 2025-04-09.

Conditions:
Cardiovascular phenotype. Identifiers: MedGen CN230736.

gnomAD v4.1: 2 of 1,613,244 alleles (0.00012%); highest among the groups gnomAD compares: Admixed American, 0.0017%; no homozygotes.

Submissions (4):

Ambry Genetics
Classification: Benign for Cardiovascular phenotype. Last evaluated: 2025-04-09. Review status: criteria provided, single submitter. Criteria: Ambry Variant Classification Scheme 2023. Collection method: clinical testing. Allele origin: germline.

Revvity Omics, Revvity
Classification: Uncertain significance. Last evaluated: 2024-05-21. Review status: criteria provided, single submitter. Criteria: ACMG Guidelines, 2015. Collection method: clinical testing. Allele origin: germline.

Athena Diagnostics
Classification: Uncertain significance. Last evaluated: 2023-08-30. Review status: criteria provided, single submitter. Criteria: Athena Diagnostics Criteria. Collection method: clinical testing. Allele origin: unknown.
Comment: Available data are insufficient to determine the clinical significance of the variant at this time. The frequency of this variant in the general population is uninformative in assessment of its pathogenicity. Computational tools predict that this variant is damaging.

Women's Health and Genetics/Laboratory Corporation of America, LabCorp
Classification: Uncertain significance. Last evaluated: 2021-03-11. Review status: criteria provided, single submitter. Criteria: LabCorp Variant Classification Summary - May 2015. Collection method: clinical testing. Allele origin: germline.
Comment: Variant summary: TTN c.52303C>G (p.Arg17435Gly) results in a non-conservative amino acid change located in the A-band domain of the encoded protein sequence. Three of five in-silico tools predict a damaging effect of the variant on protein function. The variant allele was found at a frequency of 4e-06 in 248056 control chromosomes (gnomAD). The available data on variant occurrences in the general population are insufficient to allow any conclusion about variant significance. To our knowledge, no occurrence of c.52303C>G in individuals affected with Dilated Cardiomyopathy and no experimental evidence demonstrating its impact on protein function have been reported. One co-occurrences with another pathogenic variant has been reported internally ( TTN c.43732C>T, p.Gln14578X), providing supporting evidence for a benign role. No clinical diagnostic laboratories have submitted clinical-significance assessments for this variant to ClinVar after 2014. Based on the evidence outlined above, the variant was classified as uncertain significance.